The following is an entry in ClinVar:

ClinVar aggregate classification (germline): Uncertain significance (1 of 4 stars; one submission).

Submission:

GeneDx
Classification: Uncertain significance. Last evaluated: 2024-08-12. Review status: criteria provided, single submitter. Criteria: GeneDx Variant Classification Process June 2021. Collection method: clinical testing. Allele origin: germline. Affected: yes.
Comment: Not observed at significant frequency in large population cohorts (gnomAD); In silico analysis supports that this missense variant has a deleterious effect on protein structure/function; In silico analysis is inconclusive as to whether the variant alters gene splicing. In the absence of RNA/functional studies, the actual effect of this sequence change is unknown.; Has not been previously published as pathogenic or benign to our knowledge

NM_003718.5(CDK13):c.2880A>T (p.Leu960Phe)

Gene: CDK13 (cyclin dependent kinase 13; plus strand). Cytogenetic location: 7p14.1.
Variant type: single nucleotide variant.
Coding change: c.2880A>T on transcript NM_003718.5 (MANE Select); coding-DNA position 2880, A replaced by T.
Protein change: p.Leu960Phe; replaces leucine 960 with phenylalanine.
Molecular consequence: missense variant.
Genome position (GRCh38, 1-based): chr7:40,078,104, A>T. VCF-style: chr7-40078104-A-T. GRCh37 (hg19) VCF-style: chr7-40117703-A-T.
Other names: c.2880A>T, p.Leu960Phe (NM_031267.4); short protein forms L960F.
Identifiers: ClinVar variation 3731081 (VCV003731081.1).